The following is an entry in ClinVar:

NM_001355436.2(SPTB):c.724G>T (p.Glu242Ter)

Gene: SPTB (spectrin beta, erythrocytic; minus strand). Cytogenetic location: 14q23.3.
Variant type: single nucleotide variant.
Coding change: c.724G>T on transcript NM_001355436.2 (MANE Select); coding-DNA position 724, G replaced by T.
Protein change: p.Glu242Ter; replaces glutamic acid 242 with a stop codon.
Molecular consequence: nonsense.
Genome position (GRCh38, 1-based): chr14:64,801,324, C>A on the plus strand (G>T on the coding strand, the complement: SPTB is on the minus strand). VCF-style: chr14-64801324-C-A. GRCh37 (hg19) VCF-style: chr14-65268042-C-A.
Other names: c.724G>T, p.Glu242Ter (NM_001024858.4, NM_001355437.2); short protein forms E242*.
Identifiers: ClinVar variation 1163559 (VCV001163559.5), dbSNP rs2139628367, ClinGen allele CA390030673.

ClinVar aggregate classification (germline): Likely pathogenic (1 of 4 stars; one submission).

Submission:

Mayo Clinic Laboratories, Mayo Clinic
Classification: Likely pathogenic. Last evaluated: 2020-04-24. Review status: criteria provided, single submitter. Criteria: ACMG Guidelines, 2015. Collection method: clinical testing. Allele origin: germline. Observed: 1 variant allele.
Comment: PVS1, PM2